The following is an entry in ClinVar:

NM_139058.3(ARX):c.193C>T (p.Gln65Ter)

Gene: ARX (aristaless related homeobox; minus strand). Cytogenetic location: Xp21.3.
Variant type: single nucleotide variant.
Coding change: c.193C>T on transcript NM_139058.3 (MANE Select); coding-DNA position 193, C replaced by T.
Protein change: p.Gln65Ter; replaces glutamine 65 with a stop codon.
Molecular consequence: nonsense.
Genome position (GRCh38, 1-based): chrX:25,015,545, G>A on the plus strand (C>T on the coding strand, the complement: ARX is on the minus strand). VCF-style: chrX-25015545-G-A. GRCh37 (hg19) VCF-style: chrX-25033662-G-A.
Other names: short protein forms Q65*.
Identifiers: ClinVar variation 2945226 (VCV002945226.3), dbSNP rs2519109094, ClinGen allele CA412613697.
Genomic context (GRCh38, chrX:25,015,545, plus strand): 5'-AAACATCCAAATCAGGGCCCAATGCCCTTAGTAAGTGCCTGACGGGAGCATCCTTACCTT[G>A]CACGGCCTTTTCCGGGTCGGCGCGGCTGGTCAGCGGAGCAGGCAAGCTCTGCGCGGCTCC-3'

ClinVar aggregate classification (germline): Pathogenic (1 of 4 stars; one submission).

Conditions:
Intellectual disability, X-linked, with or without seizures, ARX-related. Also called: Mental retardation, X-linked 52; INTELLECTUAL DEVELOPMENTAL DISORDER, X-LINKED 29; MENTAL RETARDATION, X-LINKED 29; MENTAL RETARDATION, X-LINKED 32; MENTAL RETARDATION, X-LINKED 33; MENTAL RETARDATION, X-LINKED 38. Identifiers: Orphanet 777, MedGen C0796244, MONDO:0010317, OMIM 300419.
Developmental and epileptic encephalopathy, 1 (DEE1). Also called: Epileptic encephalopathy, early infantile, 1; X-linked infantile spasms; West's syndrome; Tonic spasms with clustering, arrest of psychomotor development and hypsarrhythmia on EEG; X-Linked Infantile Spasm Syndrome; OHTAHARA SYNDROME, X-LINKED. Identifiers: MedGen C3463992, MONDO:0010632, OMIM 308350. Disease mechanism: loss of function.

Submission:

Labcorp Genetics (formerly Invitae), Labcorp
Classification: Pathogenic for Developmental and epileptic encephalopathy, 1; Intellectual disability, X-linked, with or without seizures, ARX-related. Last evaluated: 2025-06-02. Review status: criteria provided, single submitter. Criteria: Invitae Variant Classification Sherloc (09022015). Collection method: clinical testing. Allele origin: germline.
Comment: This sequence change creates a premature translational stop signal (p.Gln65*) in the ARX gene. It is expected to result in an absent or disrupted protein product. Loss-of-function variants in ARX are known to be pathogenic (PMID: 19439424, 19738637). This variant is not present in population databases (gnomAD no frequency). This variant has not been reported in the literature in individuals affected with ARX-related conditions. ClinVar contains an entry for this variant (Variation ID: 2945226). For these reasons, this variant has been classified as Pathogenic.

Literature cited by the submitters: PubMed 19439424; PubMed 19738637.